The following is an entry in ClinVar:

ClinVar aggregate classification (germline): Uncertain significance. Review status: criteria provided, multiple submitters, no conflicts (2 of 4 stars). 2 submissions from 2 submitters: Uncertain significance (2). Last evaluated 2023-12-20.

Allele frequency attached by ClinVar (database versions not stated): gnomAD exomes 0.00001 and 0.00002; ExAC 0.00003; TOPMed 0.00004; gnomAD 0.00006 and 0.00007; ESP Exome Variant Server 0.00008.
gnomAD v4.1: 30 of 1,614,000 alleles (0.0019%); highest among the groups gnomAD compares: African/African-American, 0.0067%; no homozygotes.

Submissions (2):

Blueprint Genetics
Classification: Uncertain significance. Last evaluated: 2023-12-20. Review status: criteria provided, single submitter. Criteria: ACMG Guidelines, 2015. Collection method: clinical testing. Allele origin: germline.

Labcorp Genetics (formerly Invitae), Labcorp
Classification: Uncertain significance. Last evaluated: 2023-08-04. Review status: criteria provided, single submitter. Criteria: Invitae Variant Classification Sherloc (09022015). Collection method: clinical testing. Allele origin: germline.
Comment: This sequence change replaces glutamine, which is neutral and polar, with histidine, which is basic and polar, at codon 1356 of the CEP250 protein (p.Gln1356His). This variant is present in population databases (rs145316023, gnomAD 0.008%). This variant has not been reported in the literature in individuals affected with CEP250-related conditions. ClinVar contains an entry for this variant (Variation ID: 837754). An algorithm developed to predict the effect of missense changes on protein structure and function (PolyPhen-2) suggests that this variant is likely to be disruptive. In summary, the available evidence is currently insufficient to determine the role of this variant in disease. Therefore, it has been classified as a Variant of Uncertain Significance.

NM_007186.6(CEP250):c.4068G>C (p.Gln1356His)

Gene: CEP250 (centrosomal protein 250; plus strand). Cytogenetic location: 20q11.22.
Variant type: single nucleotide variant.
Coding change: c.4068G>C on transcript NM_007186.6 (MANE Select); coding-DNA position 4068, G replaced by C.
Protein change: p.Gln1356His; replaces glutamine 1356 with histidine.
Molecular consequence: missense variant.
Genome position (GRCh38, 1-based): chr20:35,502,437, G>C. VCF-style: chr20-35502437-G-C. GRCh37 (hg19) VCF-style: chr20-34090265-G-C.
Other names: c.2172G>C, p.Gln724His (NM_001318219.1); short protein forms Q724H, Q1356H.
Identifiers: ClinVar variation 837754 (VCV000837754.6), dbSNP rs145316023, ClinGen allele CA9833653.